The following is an entry in ClinVar:

ClinVar aggregate classification (germline): Uncertain significance (1 of 4 stars; one submission).

Conditions:
Candidiasis, familial, 9 (CANDF9). Identifiers: Orphanet 1334, MedGen C4225324, MONDO:0014642, OMIM 616445.

Submission:

Labcorp Genetics (formerly Invitae), Labcorp
Classification: Uncertain significance for Candidiasis, familial, 9. Last evaluated: 2024-06-01. Review status: criteria provided, single submitter. Criteria: Invitae Variant Classification Sherloc (09022015). Collection method: clinical testing. Allele origin: germline.
Comment: This variant, c.1230_1232dup, results in the insertion of 1 amino acid(s) of the IL17RC protein (p.Pro411dup), but otherwise preserves the integrity of the reading frame. This variant is not present in population databases (gnomAD no frequency). This variant has not been reported in the literature in individuals affected with IL17RC-related conditions. Experimental studies and prediction algorithms are not available or were not evaluated, and the functional significance of this variant is currently unknown. In summary, the available evidence is currently insufficient to determine the role of this variant in disease. Therefore, it has been classified as a Variant of Uncertain Significance.

NM_153460.4(IL17RC):c.1017_1019dup (p.Pro340_Leu341insPro)

Gene: IL17RC (interleukin 17 receptor C; plus strand). Cytogenetic location: 3p25.3.
Variant type: Duplication.
Coding change: c.1017_1019dup on transcript NM_153460.4 (MANE Select); coding-DNA positions 1017 to 1019, 3 bases duplicated (GCC; older notation c.1017_1019dupGCC).
Protein change: p.Pro340_Leu341insPro.
Molecular consequence: non-coding transcript variant (on NR_037807.2).
Genome position (GRCh38, 1-based): chr3:9,928,444-9,928,446, GCC duplicated. VCF-style (leftmost placement, unchanged base first): chr3-9928443-A-AGCC. GRCh37 (hg19) VCF-style: chr3-9970127-A-AGCC.
Other names: c.1017_1019dup, p.Pro340_Leu341insPro (NM_001203263.2, NM_001203264.2); c.972_974dup, p.Pro325_Leu326insPro (NM_001203265.2, NM_001367280.1, NM_001410711.1 and 1 more transcripts); c.978_980dup, p.Pro327_Leu328insPro (NM_001367278.1); c.897_899dup, p.Pro300_Leu301insPro (NM_001367279.1); c.1230_1232dup, p.Pro411_Leu412insPro (NM_153461.4).
Identifiers: ClinVar variation 3655251 (VCV003655251.2).